The following is an entry in ClinVar:

ClinVar aggregate classification (germline): Uncertain significance (1 of 4 stars; one submission).

Submission:

GeneDx
Classification: Uncertain significance. Last evaluated: 2023-05-08. Review status: criteria provided, single submitter. Criteria: GeneDx Variant Classification Process June 2021. Collection method: clinical testing. Allele origin: germline. Affected: yes.
Comment: Not observed at significant frequency in large population cohorts (gnomAD); In silico analysis supports that this missense variant does not alter protein structure/function; Has not been previously published as pathogenic or benign to our knowledge

NM_001348716.2(KDM6B):c.1250C>T (p.Pro417Leu)

Gene: KDM6B (lysine demethylase 6B; plus strand). Cytogenetic location: 17p13.1.
Variant type: single nucleotide variant.
Coding change: c.1250C>T on transcript NM_001348716.2 (MANE Select); coding-DNA position 1250, C replaced by T.
Protein change: p.Pro417Leu; replaces proline 417 with leucine.
Molecular consequence: missense variant.
Genome position (GRCh38, 1-based): chr17:7,847,445, C>T. VCF-style: chr17-7847445-C-T. GRCh37 (hg19) VCF-style: chr17-7750763-C-T.
Other names: c.1250C>T, p.Pro417Leu (NM_001080424.2); short protein forms P417L.
Identifiers: ClinVar variation 2663067 (VCV002663067.1), dbSNP rs1421965012, ClinGen allele CA397916351.